The following is an entry in ClinVar:

NM_000256.3(MYBPC3):c.2078C>G (p.Ala693Gly)

Gene: MYBPC3 (myosin binding protein C3; minus strand). Cytogenetic location: 11p11.2.
Variant type: single nucleotide variant.
Coding change: c.2078C>G on transcript NM_000256.3 (MANE Select); coding-DNA position 2078, C replaced by G.
Protein change: p.Ala693Gly; replaces alanine 693 with glycine.
Molecular consequence: missense variant.
Genome position (GRCh38, 1-based): chr11:47,339,394, G>C on the plus strand (C>G on the coding strand, the complement: MYBPC3 is on the minus strand). VCF-style: chr11-47339394-G-C. GRCh37 (hg19) VCF-style: chr11-47360945-G-C.
Other names: short protein forms A693G.
Identifiers: ClinVar variation 3070985 (VCV003070985.1), dbSNP rs896073779, ClinGen allele CA380321152.

ClinVar aggregate classification (germline): Uncertain significance (1 of 4 stars; one submission).

Conditions:
Hypertrophic cardiomyopathy. Also called: HYPERTROPHIC MYOCARDIOPATHY. Identifiers: Orphanet 217569, MedGen C0007194, MeSH D002312, MONDO:0005045, HP:0001639.

Submission:

All of Us Research Program, National Institutes of Health
Classification: Uncertain significance for Hypertrophic cardiomyopathy. Last evaluated: 2023-05-16. Review status: criteria provided, single submitter. Criteria: ACMG Guidelines, 2015. Collection method: clinical testing. Allele origin: germline. Inheritance: Autosomal dominant inheritance. Observed: 1 variant allele, 1 heterozygote.
Comment: This missense variant replaces alanine with glycine at codon 693 of the MYBPC3 protein. Computational prediction suggests that this variant may not impact protein structure and function (internally defined REVEL score threshold <= 0.5, PMID: 27666373). To our knowledge, functional studies have not been reported for this variant. This variant has not been reported in individuals affected with MYBPC3-related disorders in the literature. This variant has not been identified in the general population by the Genome Aggregation Database (gnomAD). The available evidence is insufficient to determine the role of this variant in disease conclusively. Therefore, this variant is classified as a Variant of Uncertain Significance.

This study involves interpretation of variants in research participants for the purpose of population health screening. Participant phenotype was not available at the time of variant classification. Additional details can be found in publication PMID: 35346344, PMCID: PMC8962531